The following is an entry in ClinVar:

NM_000516.7(GNAS):c.21dup (p.Lys8Ter)

Gene: GNAS (GNAS complex locus; plus strand). Cytogenetic location: 20q13.32.
Variant type: Duplication.
Coding change: c.21dup on transcript NM_000516.7 (MANE Select); coding-DNA position 21, one base duplicated (T; older notation c.21dupT).
Protein change: p.Lys8Ter; replaces lysine 8 with a stop codon.
Molecular consequence: nonsense. On other transcripts: intron variant (6).
Genome position (GRCh38, 1-based): chr20:58,891,747, T duplicated. VCF-style (leftmost placement, unchanged base first): chr20-58891746-G-GT. GRCh37 (hg19) VCF-style: chr20-57466801-G-GT.
Other names: c.21dup, p.Lys8Ter (NM_001077488.5, NM_001077489.4, NM_001309842.2 and 1 more transcripts); c.*43-3865dup (NM_016592.5); c.-38-3865dup (NM_001309861.2); c.*1-3865dup (NM_001077490.3); c.2069-3865dup (NM_080425.4); c.*159-3865dup (NM_001309883.1); c.-39+2394dup (NM_001309840.2); short protein forms K8*.
Identifiers: ClinVar variation 1406415 (VCV001406415.6), dbSNP rs2145914732, ClinGen allele CA2573157185.

ClinVar aggregate classification (germline): Pathogenic (1 of 4 stars; one submission).

Submission:

Labcorp Genetics (formerly Invitae), Labcorp
Classification: Pathogenic. Last evaluated: 2025-04-10. Review status: criteria provided, single submitter. Criteria: Invitae Variant Classification Sherloc (09022015). Collection method: clinical testing. Allele origin: germline.
Comment: This sequence change creates a premature translational stop signal (p.Lys8*) in the GNAS gene. It is expected to result in an absent or disrupted protein product. Loss-of-function variants in GNAS are known to be pathogenic (PMID: 11784876, 23281139, 23796510, 25802881). This variant is not present in population databases (gnomAD no frequency). This premature translational stop signal has been observed in individual(s) with Albright hereditary osteodystrophy and/or pseudohypoparathyroidism (PMID: 12970262, 21525160, 27871293, 29059381). ClinVar contains an entry for this variant (Variation ID: 1406415). For these reasons, this variant has been classified as Pathogenic.

Literature cited by the submitters: PubMed 11784876; PubMed 23281139; PubMed 23796510; PubMed 25802881; PubMed 12970262; PubMed 21525160; PubMed 27871293; PubMed 29059381.